The following is an entry in ClinVar:

NM_001370259.2(MEN1):c.262G>A (p.Ala88Thr)

Gene: MEN1 (menin 1; minus strand). Cytogenetic location: 11q13.1.
Variant type: single nucleotide variant.
Coding change: c.262G>A on transcript NM_001370259.2 (MANE Select); coding-DNA position 262, G replaced by A.
Protein change: p.Ala88Thr; replaces alanine 88 with threonine.
Molecular consequence: missense variant. On other transcripts: non-coding transcript variant (4).
Genome position (GRCh38, 1-based): chr11:64,809,848, C>T on the plus strand (G>A on the coding strand, the complement: MEN1 is on the minus strand). VCF-style: chr11-64809848-C-T. GRCh37 (hg19) VCF-style: chr11-64577320-C-T.
Other names: c.262G>A, p.Ala88Thr (NM_000244.4, NM_001370251.2, NM_001370260.2 and 20 more transcripts); short protein forms A88T.
Identifiers: ClinVar variation 2862190 (VCV002862190.4), dbSNP rs1565651916, ClinGen allele CA381187534.

ClinVar aggregate classification (germline): Uncertain significance. Review status: criteria provided, multiple submitters, no conflicts (2 of 4 stars). 2 submissions from 2 submitters: Uncertain significance (2). Last evaluated 2025-09-15.

Conditions:
Multiple endocrine neoplasia, type 1 (MEN1). Also called: MEA I; MEN I; WERMER SYNDROME; Endocrine adenomatosis multiple; MEN 1. Identifiers: Orphanet 652, MedGen C0025267, MeSH D018761, MONDO:0007540, OMIM 131100.
Hereditary cancer-predisposing syndrome. Also called: Hereditary neoplastic syndrome; Hereditary Cancer Syndrome; Neoplastic Syndromes, Hereditary; Tumor predisposition. Identifiers: Orphanet 140162, MedGen C0027672, MeSH D009386, MONDO:0015356.

Allele frequency attached by ClinVar (database versions not stated): gnomAD exomes below 0.00001.

Submissions (2):

Ambry Genetics
Classification: Uncertain significance for Hereditary cancer-predisposing syndrome. Last evaluated: 2025-09-15. Review status: criteria provided, single submitter. Criteria: Ambry Variant Classification Scheme 2023. Collection method: clinical testing. Allele origin: germline.
Comment: The p.A88T variant (also known as c.262G>A), located in coding exon 1 of the MEN1 gene, results from a G to A substitution at nucleotide position 262. The alanine at codon 88 is replaced by threonine, an amino acid with similar properties. This amino acid position is highly conserved in available vertebrate species. In addition, this alteration is predicted to be deleterious by in silico analysis. Based on the available evidence, the clinical significance of this variant remains unclear.

Labcorp Genetics (formerly Invitae), Labcorp
Classification: Uncertain significance for Multiple endocrine neoplasia, type 1. Last evaluated: 2023-05-31. Review status: criteria provided, single submitter. Criteria: Invitae Variant Classification Sherloc (09022015). Collection method: clinical testing. Allele origin: germline.
Comment: This sequence change replaces alanine, which is neutral and non-polar, with threonine, which is neutral and polar, at codon 88 of the MEN1 protein (p.Ala88Thr). This variant is not present in population databases (gnomAD no frequency). This variant has not been reported in the literature in individuals affected with MEN1-related conditions. Advanced modeling of protein sequence and biophysical properties (such as structural, functional, and spatial information, amino acid conservation, physicochemical variation, residue mobility, and thermodynamic stability) performed at Invitae indicates that this missense variant is expected to disrupt MEN1 protein function. In summary, the available evidence is currently insufficient to determine the role of this variant in disease. Therefore, it has been classified as a Variant of Uncertain Significance.